The following is an entry in ClinVar:

NM_014714.4(IFT140):c.332G>A (p.Trp111Ter)

Genes: IFT140 (intraflagellar transport 140; minus strand), LOC105371046 (uncharacterized LOC105371046; plus strand). Cytogenetic location: 16p13.3.
Variant type: single nucleotide variant.
Coding change: c.332G>A on transcript NM_014714.4 (MANE Select); coding-DNA position 332, G replaced by A.
Protein change: p.Trp111Ter; replaces tryptophan 111 with a stop codon.
Molecular consequence: nonsense.
Genome position (GRCh38, 1-based): chr16:1,602,407, C>T on the plus strand (G>A on the coding strand, the complement: IFT140 is on the minus strand). VCF-style: chr16-1602407-C-T. GRCh37 (hg19) VCF-style: chr16-1652408-C-T.
Other names: c.332G>A (NM_014714.3); short protein forms W111*.
Identifiers: ClinVar variation 3578682 (VCV003578682.3).

ClinVar aggregate classification (germline): Likely pathogenic. Review status: criteria provided, multiple submitters, no conflicts (2 of 4 stars). 3 submissions from 3 submitters: Likely pathogenic (3). Last evaluated 2025-12-10.

Conditions:
IFT140-related disorder. Also called: IFT140-related condition.
Polycystic kidney disease 9, susceptibility to. Identifiers: MedGen C6012712, MONDO:0976267, OMIM 621164.
Retinitis pigmentosa 80 (RP80). Identifiers: MedGen C4540439, MONDO:0054708, OMIM 617781.
Saldino-Mainzer syndrome (SRTD9). Also called: CONORENAL SYNDROME; Renal dysplasia, retinal pigmentary dystrophy, cerebellar ataxia and skeletal dysplasia; SHORT-RIB THORACIC DYSPLASIA 9 WITHOUT POLYDACTYLY; short-rib thoracic dysplasia 9 with or without polydactyly. Identifiers: Orphanet 140969, MedGen C1849437, MONDO:0009964, OMIM 266920.

gnomAD v4.1: 3 of 1,614,098 alleles (0.00019%); highest among the groups gnomAD compares: African/African-American, 0.004%; no homozygotes.

Submissions (3):

PreventionGenetics, part of Exact Sciences
Classification: Likely pathogenic for IFT140-related condition. Last evaluated: 2025-12-10. Review status: criteria provided, single submitter. Criteria: ACMG Guidelines, 2015. Collection method: clinical testing. Allele origin: germline.
Comment: The IFT140 c.332G>A variant is predicted to result in premature protein termination (p.Trp111*). This variant was reported in an individual with polycystic kidney disease (Clark et al. 2024. PubMed ID: 39136524). This variant has not been reported in a large population database (gnomAD), indicating this variant is rare. Nonsense variants in IFT140 are expected to be pathogenic. This variant is interpreted as likely pathogenic.

Clinical Genomics Laboratory, Washington University in St. Louis
Classification: Likely pathogenic for Polycystic kidney disease 9, susceptibility to. Last evaluated: 2025-07-23. Review status: criteria provided, single submitter. Criteria: ACMG Guidelines, 2015. Collection method: clinical testing. Allele origin: germline. Affected: yes.
Comment: The IFT140 c.332G>A (p.Trp111*) variant, to our knowledge, has not been reported in the medical literature. This variant has been reported in the ClinVar database as a germline likely pathogenic variant by one submitter. This variant is absent from the general population (gnomAD v.2.1.1), indicating it is not a common variant. This variant causes a premature termination codon which is predicted to lead to nonsense mediated decay. Based on available information and the ACMG/AMP guidelines for variant interpretation (Richards S et al., PMID: 25741868), this variant is classified as likely pathogenic.

Fulgent Genetics
Classification: Likely pathogenic for Saldino-Mainzer syndrome; Retinitis pigmentosa 80. Last evaluated: 2024-05-23. Review status: criteria provided, single submitter. Criteria: ACMG Guidelines, 2015. Collection method: clinical testing. Allele origin: germline.